The following is an entry in ClinVar:

NM_014874.4(MFN2):c.1427G>C (p.Arg476Pro)

Gene: MFN2 (mitofusin 2; plus strand). Cytogenetic location: 1p36.22.
Variant type: single nucleotide variant.
Coding change: c.1427G>C on transcript NM_014874.4 (MANE Select); coding-DNA position 1427, G replaced by C.
Protein change: p.Arg476Pro; replaces arginine 476 with proline.
Molecular consequence: missense variant.
Genome position (GRCh38, 1-based): chr1:12,004,859, G>C. VCF-style: chr1-12004859-G-C. GRCh37 (hg19) VCF-style: chr1-12064916-G-C.
Other names: c.1427G>C, p.Arg476Pro (NM_001127660.2); short protein forms R476P.
Identifiers: ClinVar variation 447719 (VCV000447719.25), dbSNP rs1331318781, ClinGen allele CA338446692.

ClinVar aggregate classification (germline): Uncertain significance. Review status: criteria provided, multiple submitters, no conflicts (2 of 4 stars). 2 submissions from 2 submitters: Uncertain significance (2). Last evaluated 2023-10-01.

Submissions (2):

CeGaT Center for Human Genetics Tuebingen
Classification: Uncertain significance. Last evaluated: 2023-10-01. Review status: criteria provided, single submitter. Criteria: CeGaT Center For Human Genetics Tuebingen Variant Classification Criteria Version 2. Collection method: clinical testing. Allele origin: germline. Affected: yes. Observed: 1 variant allele.
Comment: MFN2: PM2, PM5:Supporting, PS4:Supporting

Athena Diagnostics
Classification: Uncertain significance. Last evaluated: 2017-03-29. Review status: criteria provided, single submitter. Criteria: Athena Diagnostics Criteria. Collection method: clinical testing. Allele origin: germline.